The following is an entry in ClinVar:

NM_001366385.1(CARD14):c.709A>G (p.Asn237Asp)

Gene: CARD14 (caspase recruitment domain family member 14; plus strand). Cytogenetic location: 17q25.3.
Variant type: single nucleotide variant.
Coding change: c.709A>G on transcript NM_001366385.1 (MANE Select); coding-DNA position 709, A replaced by G.
Protein change: p.Asn237Asp; replaces asparagine 237 with aspartic acid.
Molecular consequence: missense variant. On other transcripts: 5 prime UTR variant (1), non-coding transcript variant (1).
Genome position (GRCh38, 1-based): chr17:80,188,410, A>G. VCF-style: chr17-80188410-A-G. GRCh37 (hg19) VCF-style: chr17-78162209-A-G.
Other names: c.709A>G, p.Asn237Asp (NM_001257970.1, NM_024110.4); c.-3A>G (NM_052819.3); short protein forms N237D.
Identifiers: ClinVar variation 3757715 (VCV003757715.2).

ClinVar aggregate classification (germline): Uncertain significance (1 of 4 stars; one submission).

Conditions:
Pityriasis rubra pilaris (PRP). Also called: Pityriasis rubra pilaris--familial type. Identifiers: Orphanet 2897, MedGen C0032027, MONDO:0100017, OMIM 173200, MONDO:0008251.
Psoriasis 2. Identifiers: MedGen C1864497, MONDO:0011269, OMIM 602723.

Submission:

Labcorp Genetics (formerly Invitae), Labcorp
Classification: Uncertain significance for Pityriasis rubra pilaris; Psoriasis 2. Last evaluated: 2024-08-17. Review status: criteria provided, single submitter. Criteria: Invitae Variant Classification Sherloc (09022015). Collection method: clinical testing. Allele origin: germline.
Comment: This sequence change replaces asparagine, which is neutral and polar, with aspartic acid, which is acidic and polar, at codon 237 of the CARD14 protein (p.Asn237Asp). This variant is not present in population databases (gnomAD no frequency). This variant has not been reported in the literature in individuals affected with CARD14-related conditions. Invitae Evidence Modeling of protein sequence and biophysical properties (such as structural, functional, and spatial information, amino acid conservation, physicochemical variation, residue mobility, and thermodynamic stability) indicates that this missense variant is not expected to disrupt CARD14 protein function with a negative predictive value of 80%. In summary, the available evidence is currently insufficient to determine the role of this variant in disease. Therefore, it has been classified as a Variant of Uncertain Significance.